The following is an entry in ClinVar:

ClinVar aggregate classification (germline): Uncertain significance (1 of 4 stars; one submission).

Conditions:
Gastrointestinal stromal tumor. Also called: Gastrointestinal stroma tumor; Gastrointestinal stromal tumor, somatic. Identifiers: Orphanet 44890, MedGen C0238198, MeSH D046152, MONDO:0011719, OMIM 606764, HP:0100723.

Allele frequency attached by ClinVar (database versions not stated): gnomAD exomes below 0.00001.
gnomAD v4.1: 1 of 1,613,968 alleles (0.000062%); highest among the groups gnomAD compares: African/African-American, 0.0013%; no homozygotes.

Submission:

Labcorp Genetics (formerly Invitae), Labcorp
Classification: Uncertain significance for Gastrointestinal stromal tumor. Last evaluated: 2024-10-02. Review status: criteria provided, single submitter. Criteria: Invitae Variant Classification Sherloc (09022015). Collection method: clinical testing. Allele origin: germline.
Comment: This sequence change replaces histidine, which is basic and polar, with tyrosine, which is neutral and polar, at codon 477 of the PDGFRA protein (p.His477Tyr). This variant is not present in population databases (gnomAD no frequency). This variant has not been reported in the literature in individuals affected with PDGFRA-related conditions. ClinVar contains an entry for this variant (Variation ID: 1466874). An algorithm developed to predict the effect of missense changes on protein structure and function outputs the following: PolyPhen-2: "Benign". The tyrosine amino acid residue is found in multiple mammalian species, which suggests that this missense change does not adversely affect protein function. In summary, the available evidence is currently insufficient to determine the role of this variant in disease. Therefore, it has been classified as a Variant of Uncertain Significance.

NM_006206.6(PDGFRA):c.1429C>T (p.His477Tyr)

Gene: PDGFRA (platelet derived growth factor receptor alpha; plus strand). Cytogenetic location: 4q12.
Variant type: single nucleotide variant.
Coding change: c.1429C>T on transcript NM_006206.6 (MANE Select); coding-DNA position 1429, C replaced by T.
Protein change: p.His477Tyr; replaces histidine 477 with tyrosine.
Molecular consequence: missense variant.
Genome position (GRCh38, 1-based): chr4:54,273,601, C>T. VCF-style: chr4-54273601-C-T. GRCh37 (hg19) VCF-style: chr4-55139768-C-T.
Other names: c.1429C>T, p.His477Tyr (NM_001347827.2, NM_001347829.2); c.1504C>T, p.His502Tyr (NM_001347828.2); c.1468C>T, p.His490Tyr (NM_001347830.2); short protein forms H490Y, H502Y, H477Y.
Identifiers: ClinVar variation 1466874 (VCV001466874.8), dbSNP rs1553904188, ClinGen allele CA356892550.